The following is an entry in ClinVar:

NM_001023.4(RPS20):c.234T>C (p.Asp78=)

Gene: RPS20 (ribosomal protein S20; minus strand). Cytogenetic location: 8q12.1.
Variant type: single nucleotide variant.
Coding change: c.234T>C on transcript NM_001023.4 (MANE Select); coding-DNA position 234, T replaced by C.
Protein change: p.Asp78=; no amino-acid change (aspartic acid 78 retained).
Molecular consequence: synonymous variant.
Genome position (GRCh38, 1-based): chr8:56,073,216, A>G on the plus strand (T>C on the coding strand, the complement: RPS20 is on the minus strand). VCF-style: chr8-56073216-A-G. GRCh37 (hg19) VCF-style: chr8-56985775-A-G.
Other names: c.234T>C, p.Asp78= (NM_001146227.3).
Identifiers: ClinVar variation 5042378 (VCV005042378.1).

ClinVar aggregate classification (germline): Benign (1 of 4 stars; one submission).

Conditions:
Familial colorectal cancer type X. Identifiers: Orphanet 440437, MedGen C3896578, MONDO:0018604.

Submission:

Myriad Genetics, Inc.
Classification: Benign for Familial colorectal cancer type X. Last evaluated: 2026-08-03. Review status: criteria provided, single submitter. Criteria: Myriad Autosomal Dominant, Autosomal Recessive and X-Linked Classification Criteria (2023). Collection method: clinical testing. Allele origin: unknown.
Comment: This variant is considered benign. This variant is a silent/synonymous amino acid change and it is not expected to impact splicing.